The following is an entry in ClinVar:

ClinVar aggregate classification (germline): Uncertain significance (1 of 4 stars; one submission).

Conditions:
Inborn genetic diseases. Identifiers: MedGen C0950123, MeSH D030342.

gnomAD v4.1: 1 of 1,609,338 alleles (0.000062%); highest among the groups gnomAD compares: Non-Finnish European, 0.000085%; no homozygotes.

Submission:

Ambry Genetics
Classification: Uncertain significance for Inborn genetic diseases. Last evaluated: 2025-08-01. Review status: criteria provided, single submitter. Criteria: Ambry Variant Classification Scheme 2023. Collection method: clinical testing. Allele origin: germline.
Comment: The p.A253S variant (also known as c.757G>T), located in coding exon 5 of the KDM1A gene, results from a G to T substitution at nucleotide position 757. The alanine at codon 253 is replaced by serine, an amino acid with similar properties. This amino acid position is conserved. In addition, this alteration is predicted to be tolerated by in silico analysis. Based on the available evidence, the clinical significance of this variant remains unclear.

NM_001009999.3(KDM1A):c.757G>T (p.Ala253Ser)

Gene: KDM1A (lysine demethylase 1A; plus strand). Cytogenetic location: 1p36.12.
Variant type: single nucleotide variant.
Coding change: c.757G>T on transcript NM_001009999.3 (MANE Select); coding-DNA position 757, G replaced by T.
Protein change: p.Ala253Ser; replaces alanine 253 with serine.
Molecular consequence: missense variant.
Genome position (GRCh38, 1-based): chr1:23,053,806, G>T. VCF-style: chr1-23053806-G-T. GRCh37 (hg19) VCF-style: chr1-23380299-G-T.
Other names: c.697G>T, p.Ala233Ser (NM_001363654.2, NM_001410763.1, NM_015013.4); c.757G>T, p.Ala253Ser (NM_001410762.1); short protein forms A253S, A233S.
Identifiers: ClinVar variation 4091082 (VCV004091082.1).